The following is an entry in ClinVar:

ClinVar aggregate classification (germline): Uncertain significance. Review status: criteria provided, multiple submitters, no conflicts (2 of 4 stars). 2 submissions from 2 submitters: Uncertain significance (2). Last evaluated 2024-05-13.

Conditions:
Wolcott-Rallison dysplasia. Also called: Wolcott-Rallison syndrome; MED-IDDM SYNDROME. Identifiers: Orphanet 1667, MedGen C0432217, MONDO:0009192, OMIM 226980.

Allele frequency attached by ClinVar (database versions not stated): TOPMed 0.00022; ESP Exome Variant Server 0.00023; gnomAD exomes 0.00029 and 0.00049; gnomAD 0.00034 and 0.00036; ExAC 0.00039.
gnomAD v4.1: 748 of 1,614,042 alleles (0.046%); highest among the groups gnomAD compares: Non-Finnish European, 0.059%; no homozygotes.

Submissions (2):

Fulgent Genetics
Classification: Uncertain significance for Wolcott-Rallison dysplasia. Last evaluated: 2024-05-13. Review status: criteria provided, single submitter. Criteria: ACMG Guidelines, 2015. Collection method: clinical testing. Allele origin: germline.

Labcorp Genetics (formerly Invitae), Labcorp
Classification: Uncertain significance. Last evaluated: 2022-08-16. Review status: criteria provided, single submitter. Criteria: Invitae Variant Classification Sherloc (09022015). Collection method: clinical testing. Allele origin: germline.
Comment: This sequence change replaces proline, which is neutral and non-polar, with leucine, which is neutral and non-polar, at codon 716 of the EIF2AK3 protein (p.Pro716Leu). This variant is present in population databases (rs55861585, gnomAD 0.05%). This variant has not been reported in the literature in individuals affected with EIF2AK3-related conditions. ClinVar contains an entry for this variant (Variation ID: 1402240). Algorithms developed to predict the effect of missense changes on protein structure and function (SIFT, PolyPhen-2, Align-GVGD) all suggest that this variant is likely to be tolerated. In summary, the available evidence is currently insufficient to determine the role of this variant in disease. Therefore, it has been classified as a Variant of Uncertain Significance.

NM_004836.7(EIF2AK3):c.2147C>T (p.Pro716Leu)

Genes: EIF2AK3 (eukaryotic translation initiation factor 2 alpha kinase 3; minus strand), EIF2AK3-AS1 (EIF2AK3 antisense RNA 1; plus strand). Cytogenetic location: 2p11.2.
Variant type: single nucleotide variant.
Coding change: c.2147C>T on transcript NM_004836.7 (MANE Select); coding-DNA position 2147, C replaced by T.
Protein change: p.Pro716Leu; replaces proline 716 with leucine.
Molecular consequence: missense variant. On other transcripts: non-coding transcript variant (1).
Genome position (GRCh38, 1-based): chr2:88,575,336, G>A on the plus strand (C>T on the coding strand, the complement: EIF2AK3 is on the minus strand). VCF-style: chr2-88575336-G-A. GRCh37 (hg19) VCF-style: chr2-88874854-G-A.
Other names: c.1694C>T, p.Pro565Leu (NM_001313915.2); c.2147C>T (NM_004836.6); short protein forms P716L, P565L.
Identifiers: ClinVar variation 1402240 (VCV001402240.5), dbSNP rs55861585, ClinGen allele CA1754495.